The following is an entry in ClinVar:

NM_006180.6(NTRK2):c.1979C>T (p.Pro660Leu)

Gene: NTRK2 (neurotrophic receptor tyrosine kinase 2; plus strand). Cytogenetic location: 9q21.33.
Variant type: single nucleotide variant.
Coding change: c.1979C>T on transcript NM_006180.6 (MANE Select); coding-DNA position 1979, C replaced by T.
Protein change: p.Pro660Leu; replaces proline 660 with leucine.
Molecular consequence: missense variant.
Genome position (GRCh38, 1-based): chr9:84,955,324, C>T. VCF-style: chr9-84955324-C-T. GRCh37 (hg19) VCF-style: chr9-87570239-C-T.
Other names: c.1931C>T, p.Pro644Leu (NM_001018064.3, NM_001369532.1, NM_001369533.1); c.1895C>T, p.Pro632Leu (NM_001369534.1); c.1463C>T, p.Pro488Leu (NM_001369535.1); c.1511C>T, p.Pro504Leu (NM_001369536.1); c.1979C>T, p.Pro660Leu (NM_001381928.1); c.1979C>T (NM_006180.4); short protein forms P632L, P488L, P660L, P504L, P644L.
Identifiers: ClinVar variation 2145557 (VCV002145557.27), dbSNP rs201105177, ClinGen allele CA5105897.
Genomic context (GRCh38, chr9:84,955,324, plus strand): 5'-TCTCCATGTCCTTCCCCAGGGCACACGGCCCTGATGCCGTGCTGATGGCTGAGGGCAACC[C>T]GCCCACGGAACTGACGCAGTCGCAGATGCTGCATATAGCCCAGCAGATCGCCGCGGGCAT-3'
Protein context (NP_006171.2, residues 650-670): PDAVLMAEGN[Pro660Leu]PTELTQSQML

ClinVar aggregate classification (germline): Benign/Likely benign. Review status: criteria provided, multiple submitters, no conflicts (2 of 4 stars). 3 submissions from 3 submitters: Benign (1); Likely benign (1). 1 of the submissions does not count toward it. Last evaluated 2026-06-01.

Conditions:
NTRK2-related disorder. Also called: NTRK2-related condition.

Allele frequency attached by ClinVar (database versions not stated): TOPMed 0.00005; gnomAD 0.00021; gnomAD exomes 0.00039; ExAC 0.00143; 1000 Genomes Project 0.00180; 1000 Genomes Project 30x 0.00187.
gnomAD v4.1: 597 of 1,610,432 alleles (0.037%); highest among the groups gnomAD compares: South Asian, 0.63%; 8 homozygotes.

Submissions (3):

CeGaT Center for Human Genetics Tuebingen
Classification: Likely benign. Last evaluated: 2026-06-01. Review status: criteria provided, single submitter. Criteria: CeGaT Center For Human Genetics Tuebingen Variant Classification Criteria Version 2. Collection method: clinical testing. Allele origin: germline. Affected: yes. Observed: 2 variant alleles.
Comment: NTRK2: PP2, BP4, BS2

Labcorp Genetics (formerly Invitae), Labcorp
Classification: Benign. Last evaluated: 2026-01-01. Review status: criteria provided, single submitter. Criteria: Invitae Variant Classification Sherloc (09022015). Collection method: clinical testing. Allele origin: germline.

PreventionGenetics, part of Exact Sciences
Classification: Likely benign for NTRK2-related condition. Last evaluated: 2021-02-16. Review status: no assertion criteria provided. Collection method: clinical testing. Allele origin: germline. Not counted in ClinVar's aggregate classification.
Comment: This variant is classified as likely benign based on ACMG/AMP sequence variant interpretation guidelines (Richards et al. 2015 PMID: 25741868, with internal and published modifications).